The following is an entry in ClinVar:

ClinVar aggregate classification (germline): Uncertain significance (1 of 4 stars; one submission).

Conditions:
Global developmental delay (DD). Also called: Cognitive delay. Identifiers: MedGen C0557874, HP:0001263. Disease mechanism: loss of function.

gnomAD v4.1: 20 of 1,611,660 alleles (0.0012%); highest among the groups gnomAD compares: Admixed American, 0.005%; no homozygotes.

Submission:

Clinical Genetics Laboratory, Skane University Hospital Lund
Classification: Uncertain significance for Global developmental delay. Last evaluated: 2026-05-15. Review status: criteria provided, single submitter. Criteria: ACMG Guidelines, 2015. Collection method: clinical testing. Allele origin: de novo. Affected: yes.
Comment: ACMG criteria applied: PS2_supporting, BS2

NM_001393769.1(MED12L):c.4651C>T (p.His1551Tyr)

Genes: MED12L (mediator complex subunit 12L; plus strand), P2RY12 (purinergic receptor P2Y12; minus strand). Cytogenetic location: 3q25.1.
Variant type: single nucleotide variant.
Coding change: c.4651C>T on transcript NM_001393769.1 (MANE Select); coding-DNA position 4651, C replaced by T.
Protein change: p.His1551Tyr; replaces histidine 1551 with tyrosine.
Molecular consequence: missense variant. On other transcripts: intron variant (1).
Genome position (GRCh38, 1-based): chr3:151,382,716, C>T. VCF-style: chr3-151382716-C-T. GRCh37 (hg19) VCF-style: chr3-151100504-C-T.
Other names: c.4546C>T, p.His1516Tyr (NM_053002.6); c.-180+1976G>A (NM_022788.5); short protein forms H1516Y, H1551Y.
Identifiers: ClinVar variation 4850857 (VCV004850857.1).